The following is an entry in ClinVar:

ClinVar aggregate classification (germline): Uncertain significance (1 of 4 stars; one submission).

Submission:

CeGaT Center for Human Genetics Tuebingen
Classification: Uncertain significance. Last evaluated: 2026-07-01. Review status: criteria provided, single submitter. Criteria: CeGaT Center For Human Genetics Tuebingen Variant Classification Criteria Version 2. Collection method: clinical testing. Allele origin: germline. Affected: yes. Observed: 1 variant allele.
Comment: LRP4: PM2, PP2

NM_002334.4(LRP4):c.1285G>T (p.Asp429Tyr)

Gene: LRP4 (LDL receptor related protein 4; minus strand). Cytogenetic location: 11p11.2.
Variant type: single nucleotide variant.
Coding change: c.1285G>T on transcript NM_002334.4 (MANE Select); coding-DNA position 1285, G replaced by T.
Protein change: p.Asp429Tyr; replaces aspartic acid 429 with tyrosine.
Molecular consequence: missense variant.
Genome position (GRCh38, 1-based): chr11:46,895,190, C>A on the plus strand (G>T on the coding strand, the complement: LRP4 is on the minus strand). VCF-style: chr11-46895190-C-A. GRCh37 (hg19) VCF-style: chr11-46916741-C-A.
Other names: short protein forms D429Y.
Identifiers: ClinVar variation 5040007 (VCV005040007.1).